The following is an entry in ClinVar:

ClinVar aggregate classification (germline): Conflicting classifications of pathogenicity. Review status: criteria provided, conflicting classifications (1 of 4 stars). 2 submissions from 2 submitters: Uncertain significance (1); Likely benign (1). Last evaluated 2024-09-20.

Conditions:
Pontocerebellar hypoplasia type 3 (PCH3). Also called: PCH WITH OPTIC ATROPHY; CEREBELLAR ATROPHY WITH PROGRESSIVE MICROCEPHALY. Identifiers: Orphanet 97249, MedGen C1842687, MONDO:0011948, OMIM 608027.

Allele frequency attached by ClinVar (database versions not stated): gnomAD exomes below 0.00001.
gnomAD v4.1: 2 of 1,613,388 alleles (0.00012%); highest among the groups gnomAD compares: Admixed American, 0.0017%; no homozygotes.

Submissions (2):

3billion
Classification: Likely benign for Pontocerebellar hypoplasia type 3. Last evaluated: 2024-09-20. Review status: criteria provided, single submitter. Criteria: ACMG Guidelines, 2015. Collection method: clinical testing. Allele origin: germline. Affected: no.
Comment: The homozygous variant was found in patients diagnosed with another variant in a different gene, with no symptoms related to the gene containing the homozygous variant.

Labcorp Genetics (formerly Invitae), Labcorp
Classification: Uncertain significance. Last evaluated: 2023-05-15. Review status: criteria provided, single submitter. Criteria: Invitae Variant Classification Sherloc (09022015). Collection method: clinical testing. Allele origin: germline.
Comment: This variant is present in population databases (no rsID available, gnomAD 0.0009%). In summary, the available evidence is currently insufficient to determine the role of this variant in disease. Therefore, it has been classified as a Variant of Uncertain Significance. Experimental studies and prediction algorithms are not available or were not evaluated, and the functional significance of this variant is currently unknown. ClinVar contains an entry for this variant (Variation ID: 1978713). This variant has not been reported in the literature in individuals affected with PCLO-related conditions. This sequence change replaces histidine, which is basic and polar, with proline, which is neutral and non-polar, at codon 4834 of the PCLO protein (p.His4834Pro).

NM_033026.6(PCLO):c.14501A>C (p.His4834Pro)

Gene: PCLO (piccolo presynaptic cytomatrix protein; minus strand). Cytogenetic location: 7q21.11.
Variant type: single nucleotide variant.
Coding change: c.14501A>C on transcript NM_033026.6 (MANE Select); coding-DNA position 14501, A replaced by C.
Protein change: p.His4834Pro; replaces histidine 4834 with proline.
Molecular consequence: missense variant.
Genome position (GRCh38, 1-based): chr7:82,824,331, T>G on the plus strand (A>C on the coding strand, the complement: PCLO is on the minus strand). VCF-style: chr7-82824331-T-G. GRCh37 (hg19) VCF-style: chr7-82453647-T-G.
Other names: c.14501A>C, p.His4834Pro (NM_014510.3); short protein forms H4834P.
Identifiers: ClinVar variation 1978713 (VCV001978713.5), dbSNP rs1242031768, ClinGen allele CA368020308.